The following is an entry in ClinVar:

ClinVar aggregate classification (germline): Uncertain significance. Review status: criteria provided, single submitter (1 of 4 stars). 2 submissions from 2 submitters: Uncertain significance (1). 1 of the submissions does not count toward it. Last evaluated 2022-09-18.

Conditions:
Intellectual disability. Also called: intellectual disabilities; Intellectual developmental disorder; Intellectual functioning disability. Identifiers: MedGen C3714756, MeSH D008607, MONDO:0001071, HP:0001249.

Allele frequency attached by ClinVar (database versions not stated): gnomAD exomes below 0.00001.
gnomAD v4.1: 1 of 1,561,982 alleles (0.000064%); highest among the groups gnomAD compares: Non-Finnish European, 0.000086%; no homozygotes.

Submissions (2):

GeneDx
Classification: Uncertain significance. Last evaluated: 2022-09-18. Review status: criteria provided, single submitter. Criteria: GeneDx Variant Classification Process June 2021. Collection method: clinical testing. Allele origin: germline. Affected: yes.
Comment: In silico analysis supports that this missense variant has a deleterious effect on protein structure/function; Has not been previously published as pathogenic or benign to our knowledge

Centre de Biologie Pathologie Génétique, Centre Hospitalier Universitaire de Lille
Classification: Likely benign for Intellectual disability. Last evaluated: 2019-01-01. Review status: no assertion criteria provided. Collection method: clinical testing. Allele origin: inherited. Affected: yes. Not counted in ClinVar's aggregate classification.

NM_015267.4(CUX2):c.2758G>A (p.Gly920Arg)

Gene: CUX2 (cut like homeobox 2; plus strand). Cytogenetic location: 12q24.12.
Variant type: single nucleotide variant.
Coding change: c.2758G>A on transcript NM_015267.4 (MANE Select); coding-DNA position 2758, G replaced by A.
Protein change: p.Gly920Arg; replaces glycine 920 with arginine.
Molecular consequence: missense variant.
Genome position (GRCh38, 1-based): chr12:111,320,767, G>A. VCF-style: chr12-111320767-G-A. GRCh37 (hg19) VCF-style: chr12-111758571-G-A.
Other names: c.2572G>A, p.Gly858Arg (NM_001370598.1); short protein forms G858R, G920R.
Identifiers: ClinVar variation 975536 (VCV000975536.2), dbSNP rs1439998059, ClinGen allele CA386714275.
Genomic context (GRCh38, chr12:111,320,767, plus strand): 5'-GAGCTCACCCGCCAGGTCAAGGAGAAGCTGGCCAAGAACGGCATCTGCCAGAGGATCTTC[G>A]GGGAGAAGGTGAGTGCAGGGCGGGCCCCCGGTGTCTGGGCTCTGGGAGAAGATGTCGGAG-3'
Protein context (NP_056082.2, residues 910-930): AKNGICQRIF[Gly920Arg]EKVLGLSQGS